The following is an entry in ClinVar:

NM_000219.6(KCNE1):c.311G>A (p.Arg104Lys)

Gene: KCNE1 (potassium voltage-gated channel subfamily E regulatory subunit 1; minus strand). Cytogenetic location: 21q22.12.
Variant type: single nucleotide variant.
Coding change: c.311G>A on transcript NM_000219.6 (MANE Select); coding-DNA position 311, G replaced by A.
Protein change: p.Arg104Lys; replaces arginine 104 with lysine.
Molecular consequence: missense variant.
Genome position (GRCh38, 1-based): chr21:34,449,324, C>T on the plus strand (G>A on the coding strand, the complement: KCNE1 is on the minus strand). VCF-style: chr21-34449324-C-T. GRCh37 (hg19) VCF-style: chr21-35821622-C-T.
Other names: c.311G>A, p.Arg104Lys (NM_001127668.4, NM_001127669.4, NM_001127670.4 and 4 more transcripts); short protein forms R104K.
Identifiers: ClinVar variation 3374605 (VCV003374605.2).

Conditions:
Long QT syndrome 5 (LQT5). Identifiers: Orphanet 101016, Orphanet 768, MedGen C1867904, MONDO:0013372, OMIM 613695.

Submission:

Roden Lab, Vanderbilt University Medical Center
No classification provided (evidence only). Condition: Long QT syndrome 5. Review status: no classification provided. Collection method: in vitro. Allele origin: not applicable. Functional consequence: Effect on ion channel function.
ClinVar note: "not provided" was previously submitted as the classification for the variant. However, the classification appeared to be based only on an observation of functional data so it was converted to no classification on 2025-07-30.